The following is an entry in ClinVar:

NM_004370.6(COL12A1):c.5164G>A (p.Val1722Ile)

Gene: COL12A1 (collagen type XII alpha 1 chain; minus strand). Cytogenetic location: 6q13.
Variant type: single nucleotide variant.
Coding change: c.5164G>A on transcript NM_004370.6 (MANE Select); coding-DNA position 5164, G replaced by A.
Protein change: p.Val1722Ile; replaces valine 1722 with isoleucine.
Molecular consequence: missense variant.
Genome position (GRCh38, 1-based): chr6:75,138,514, C>T on the plus strand (G>A on the coding strand, the complement: COL12A1 is on the minus strand). VCF-style: chr6-75138514-C-T. GRCh37 (hg19) VCF-style: chr6-75848230-C-T.
Other names: c.5164G>A, p.Val1722Ile (NM_001424113.1, NM_001424114.1); c.4891G>A, p.Val1631Ile (NM_001424115.1); c.1672G>A, p.Val558Ile (NM_001424116.1, NM_080645.3); short protein forms V1631I, V1722I, V558I.
Identifiers: ClinVar variation 3752781 (VCV003752781.2).

ClinVar aggregate classification (germline): Uncertain significance (1 of 4 stars; one submission).

Conditions:
Ullrich congenital muscular dystrophy 2 (UCMD2). Identifiers: Orphanet 75840, MedGen C4225314, MONDO:0014654, OMIM 616470.
Bethlem myopathy 2 (BTHLM2). Identifiers: Orphanet 536516, Orphanet 610, MedGen C4225313, MONDO:0034022, OMIM 616471.

gnomAD v4.1: 1 of 1,614,080 alleles (0.000062%); highest among the groups gnomAD compares: Non-Finnish European, 0.000085%; no homozygotes.

Submission:

Labcorp Genetics (formerly Invitae), Labcorp
Classification: Uncertain significance for Bethlem myopathy 2; Ullrich congenital muscular dystrophy 2. Last evaluated: 2024-11-29. Review status: criteria provided, single submitter. Criteria: Invitae Variant Classification Sherloc (09022015). Collection method: clinical testing. Allele origin: germline.
Comment: This sequence change replaces valine, which is neutral and non-polar, with isoleucine, which is neutral and non-polar, at codon 1722 of the COL12A1 protein (p.Val1722Ile). This variant is not present in population databases (gnomAD no frequency). This variant has not been reported in the literature in individuals affected with COL12A1-related conditions. Invitae Evidence Modeling of protein sequence and biophysical properties (such as structural, functional, and spatial information, amino acid conservation, physicochemical variation, residue mobility, and thermodynamic stability) indicates that this missense variant is not expected to disrupt COL12A1 protein function with a negative predictive value of 80%. In summary, the available evidence is currently insufficient to determine the role of this variant in disease. Therefore, it has been classified as a Variant of Uncertain Significance.